The following is an entry in ClinVar:

ClinVar aggregate classification (germline): Uncertain significance (1 of 4 stars; one submission).

Conditions:
SLC35A2-congenital disorder of glycosylation. Also called: CONGENITAL DISORDER OF GLYCOSYLATION, TYPE IIm; CDG IIm; CONGENITAL DISORDER OF GLYCOSYLATION, TYPE IIm, SOMATIC MOSAIC; EPILEPTIC ENCEPHALOPATHY, EARLY INFANTILE, 22; DEVELOPMENTAL AND EPILEPTIC ENCEPHALOPATHY 22; SLC35A2-CDG. Identifiers: Orphanet 356961, MedGen C3806688, MONDO:0010478, OMIM 300896.

Allele frequency attached by ClinVar (database versions not stated): gnomAD exomes 0.00001.
gnomAD v4.1: 9 of 1,184,904 alleles (0.00076%); highest among the groups gnomAD compares: Non-Finnish European, 0.00091%; no homozygotes.

Submission:

Labcorp Genetics (formerly Invitae), Labcorp
Classification: Uncertain significance for SLC35A2-congenital disorder of glycosylation. Last evaluated: 2026-02-02. Review status: criteria provided, single submitter. Criteria: Invitae Variant Classification Sherloc (09022015). Collection method: clinical testing. Allele origin: germline.
Comment: This sequence change replaces glycine, which is neutral and non-polar, with arginine, which is basic and polar, at codon 190 of the SLC35A2 protein (p.Gly190Arg). This variant is present in population databases (no rsID available, gnomAD 0.002%), including at least one homozygous and/or hemizygous individual. This variant has not been reported in the literature in individuals affected with SLC35A2-related conditions. ClinVar contains an entry for this variant (Variation ID: 2876361). Invitae Evidence Modeling of protein sequence and biophysical properties (such as structural, functional, and spatial information, amino acid conservation, physicochemical variation, residue mobility, and thermodynamic stability) indicates that this missense variant is not expected to disrupt SLC35A2 protein function with a negative predictive value of 80%. In summary, the available evidence is currently insufficient to determine the role of this variant in disease. Therefore, it has been classified as a Variant of Uncertain Significance.

NM_005660.3(SLC35A2):c.568G>A (p.Gly190Arg)

Gene: SLC35A2 (solute carrier family 35 member A2; minus strand). Cytogenetic location: Xp11.23.
Variant type: single nucleotide variant.
Coding change: c.568G>A on transcript NM_005660.3 (MANE Select); coding-DNA position 568, G replaced by A.
Protein change: p.Gly190Arg; replaces glycine 190 with arginine.
Molecular consequence: missense variant. On other transcripts: intron variant (3).
Genome position (GRCh38, 1-based): chrX:48,905,341, C>T on the plus strand (G>A on the coding strand, the complement: SLC35A2 is on the minus strand). VCF-style: chrX-48905341-C-T. GRCh37 (hg19) VCF-style: chrX-48762618-C-T.
Other names: c.568G>A, p.Gly190Arg (NM_001042498.3); c.385G>A, p.Gly129Arg (NM_001282649.2); c.607G>A, p.Gly203Arg (NM_001282650.2); c.652G>A, p.Gly218Arg (NM_001282651.2); c.427-449G>A (NM_001282647.2, NM_001032289.3); c.355-449G>A (NM_001282648.2); short protein forms G203R, G218R, G129R, G190R.
Identifiers: ClinVar variation 2876361 (VCV002876361.3), dbSNP rs1557042906, ClinGen allele CA412895687.
Genomic context (GRCh38, chrX:48,905,341, plus strand): 5'-AGGAGGCCACGACGGCTGCCAGGCCTGCCCCAGGGTTCTGATCCAGTGGCCGTGGGCCTC[C>T]CCCACCGGCTTGCTGTGCCTGGACAATGGCGACGCCAGTGAAGAGGAGCAGCAGGGAGGC-3'
Protein context (NP_005651.1, residues 180-200): AIVQAQQAGG[Gly190Arg]GPRPLDQNPG